The following is an entry in ClinVar:

ClinVar aggregate classification (germline): Likely pathogenic (1 of 4 stars; one submission).

Submission:

CeGaT Center for Human Genetics Tuebingen
Classification: Likely pathogenic. Last evaluated: 2024-08-01. Review status: criteria provided, single submitter. Criteria: CeGaT Center For Human Genetics Tuebingen Variant Classification Criteria Version 2. Collection method: clinical testing. Allele origin: germline. Affected: yes. Observed: 1 variant allele.
Comment: MAF: PM1, PM2, PM5, PP2, PP3

NM_005360.5(MAF):c.916C>T (p.Arg306Cys)

Gene: MAF (MAF bZIP transcription factor; minus strand). Cytogenetic location: 16q23.2.
Variant type: single nucleotide variant.
Coding change: c.916C>T on transcript NM_005360.5 (MANE Select); coding-DNA position 916, C replaced by T.
Protein change: p.Arg306Cys; replaces arginine 306 with cysteine.
Molecular consequence: missense variant.
Genome position (GRCh38, 1-based): chr16:79,598,987, G>A on the plus strand (C>T on the coding strand, the complement: MAF is on the minus strand). VCF-style: chr16-79598987-G-A. GRCh37 (hg19) VCF-style: chr16-79632884-G-A.
Other names: c.916C>T, p.Arg306Cys (NM_001031804.3); short protein forms R306C.
Identifiers: ClinVar variation 3341897 (VCV003341897.16).